The following is an entry in ClinVar:

ClinVar aggregate classification (germline): Uncertain significance. Review status: criteria provided, multiple submitters, no conflicts (2 of 4 stars). 3 submissions from 3 submitters: Uncertain significance (3). Last evaluated 2026-06-25.

Conditions:
MBD4-related disorder. Also called: MBD4-related condition.
Inborn genetic diseases. Identifiers: MedGen C0950123, MeSH D030342.

Allele frequency attached by ClinVar (database versions not stated): TOPMed 0.00002; ExAC 0.00003; gnomAD 0.00003.

Submissions (3):

PreventionGenetics, part of Exact Sciences
Classification: Uncertain significance for MBD4-related condition. Last evaluated: 2026-06-25. Review status: criteria provided, single submitter. Criteria: ACMG Guidelines, 2015. Collection method: clinical testing. Allele origin: germline.
Comment: The MBD4 c.695A>T variant is predicted to result in the amino acid substitution p.Lys232Ile. To our knowledge, this variant has not been reported in the literature. This variant is reported in 0.077% of alleles in individuals of Ashkenazi Jewish descent in gnomAD. This variant is interpreted as uncertain in ClinVar (Variation ID: 2220386). At this time, the clinical significance of this variant is uncertain due to the absence of conclusive functional and genetic evidence.

Labcorp Genetics (formerly Invitae), Labcorp
Classification: Uncertain significance. Last evaluated: 2026-01-18. Review status: criteria provided, single submitter. Criteria: Invitae Variant Classification Sherloc (09022015). Collection method: clinical testing. Allele origin: germline.
Comment: This sequence change replaces lysine, which is basic and polar, with isoleucine, which is neutral and non-polar, at codon 232 of the MBD4 protein (p.Lys232Ile). This variant is present in population databases (rs759373920, gnomAD 0.08%). This variant has not been reported in the literature in individuals affected with MBD4-related conditions. ClinVar contains an entry for this variant (Variation ID: 2220386). An algorithm developed to predict the effect of missense changes on protein structure and function (PolyPhen-2) suggests that this variant is likely to be disruptive. In summary, the available evidence is currently insufficient to determine the role of this variant in disease. Therefore, it has been classified as a Variant of Uncertain Significance.

Ambry Genetics
Classification: Uncertain significance for Inborn genetic diseases. Last evaluated: 2022-07-12. Review status: criteria provided, single submitter. Criteria: Ambry Variant Classification Scheme 2023. Collection method: clinical testing. Allele origin: germline.

NM_001276270.2(MBD4):c.695A>T (p.Lys232Ile)

Gene: MBD4 (methyl-CpG binding domain 4, DNA glycosylase; minus strand). Cytogenetic location: 3q21.3.
Variant type: single nucleotide variant.
Coding change: c.695A>T on transcript NM_001276270.2 (MANE Select); coding-DNA position 695, A replaced by T.
Protein change: p.Lys232Ile; replaces lysine 232 with isoleucine.
Molecular consequence: missense variant. On other transcripts: intron variant (1).
Genome position (GRCh38, 1-based): chr3:129,436,949, T>A on the plus strand (A>T on the coding strand, the complement: MBD4 is on the minus strand). VCF-style: chr3-129436949-T-A. GRCh37 (hg19) VCF-style: chr3-129155792-T-A.
Other names: c.695A>T, p.Lys232Ile (NM_001276271.2, NM_001276272.2, NM_003925.3); c.247+859A>T (NM_001276273.2); c.695A>T (NM_003925.2); short protein forms K232I.
Identifiers: ClinVar variation 2220386 (VCV002220386.6), dbSNP rs759373920, ClinGen allele CA2605483.